The following is an entry in ClinVar:

NM_005359.6(SMAD4):c.250-2A>G

Gene: SMAD4 (SMAD family member 4; plus strand). Cytogenetic location: 18q21.2.
Variant type: single nucleotide variant.
Coding change: c.250-2A>G on transcript NM_005359.6 (MANE Select); the canonical splice acceptor site of the intron before coding-DNA position 250, A replaced by G.
Molecular consequence: splice acceptor variant.
Genome position (GRCh38, 1-based): chr18:51,048,684, A>G. VCF-style: chr18-51048684-A-G. GRCh37 (hg19) VCF-style: chr18-48575054-A-G.
Other names: c.250-2A>G (NM_001407042.1, NM_001407041.1, NM_001407043.1).
Identifiers: ClinVar variation 489018 (VCV000489018.8), dbSNP rs1555685142, ClinGen allele CA402458160.

ClinVar aggregate classification (germline): Likely pathogenic. Review status: criteria provided, multiple submitters, no conflicts (2 of 4 stars). 3 submissions from 3 submitters: Likely pathogenic (3). Last evaluated 2024-02-09.

Conditions:
Juvenile polyposis syndrome (JPS). Identifiers: Orphanet 2929, MedGen C0345893, MONDO:0017380, OMIM 174900.
Juvenile polyposis/hereditary hemorrhagic telangiectasia syndrome (JPHT). Also called: Juvenile Polyposis Syndrome / Hereditary Hemorrhagic Telangiectasia (JPS/HHT); JP/HHT SYNDROME; JUVENILE POLYPOSIS WITH HEREDITARY HEMORRHAGIC TELANGIECTASIA; POLYPOSIS, GENERALIZED JUVENILE, WITH PULMONARY ARTERIOVENOUS MALFORMATION; TELANGIECTASIA, HEREDITARY HEMORRHAGIC, WITH JUVENILE POLYPOSIS COLI. Identifiers: Orphanet 2929, MedGen C1832942, MONDO:0008278, OMIM 175050.

Submissions (3):

Myriad Genetics, Inc.
Classification: Likely pathogenic for Juvenile polyposis/hereditary hemorrhagic telangiectasia syndrome. Last evaluated: 2024-02-09. Review status: criteria provided, single submitter. Criteria: Myriad Autosomal Dominant, Autosomal Recessive and X-Linked Classification Criteria (2023). Collection method: clinical testing. Allele origin: unknown.
Comment: This variant is considered likely pathogenic. This variant occurs within a consensus splice junction and is predicted to result in abnormal mRNA splicing of either an out-of-frame exon or an in-frame exon necessary for protein stability and/or normal function.

Labcorp Genetics (formerly Invitae), Labcorp
Classification: Likely pathogenic for Juvenile polyposis syndrome. Last evaluated: 2023-04-28. Review status: criteria provided, single submitter. Criteria: Invitae Variant Classification Sherloc (09022015). Collection method: clinical testing. Allele origin: germline.
Comment: This variant has not been reported in the literature in individuals affected with SMAD4-related conditions. This variant is not present in population databases (gnomAD no frequency). This sequence change affects an acceptor splice site in intron 2 of the SMAD4 gene. It is expected to disrupt RNA splicing. Variants that disrupt the donor or acceptor splice site typically lead to a loss of protein function (PMID: 16199547), and loss-of-function variants in SMAD4 are known to be pathogenic (PMID: 16152648, 16436638, 22810475). ClinVar contains an entry for this variant (Variation ID: 489018). In summary, the currently available evidence indicates that the variant is pathogenic, but additional data are needed to prove that conclusively. Therefore, this variant has been classified as Likely Pathogenic. Algorithms developed to predict the effect of sequence changes on RNA splicing suggest that this variant may disrupt the consensus splice site.

GeneDx
Classification: Likely pathogenic. Last evaluated: 2017-06-30. Review status: criteria provided, single submitter. Criteria: GeneDx Variant Classification (06012015). Collection method: clinical testing. Allele origin: germline. Affected: yes.
Comment: Although the c.250-2 A>G variant in the SMAD4 gene has not been reported as a pathogenic or benign to ourknowledge, it destroys the canonical splice acceptor site in intron 2 and is predicted to cause abnormal gene splicing.Other splice site variants in the SMAD4 gene have been reported in the Human Gene Mutation Database inassociation with JPS (Stenson et al., 2014). Furthermore, the c.250-2 A>G variant is not observed in largepopulation cohorts (Lek et al., 2016; 1000 Genomes Consortium et al., 2015; Exome Variant Server).In summary, c.250-2 A>G in the SMAD4 gene is interpreted as a likely pathogenic variant

Literature cited by the submitters: PubMed 16199547 (cited by Labcorp Genetics (formerly Invitae), Labcorp); PubMed 16152648 (cited by Labcorp Genetics (formerly Invitae), Labcorp); PubMed 16436638 (cited by Labcorp Genetics (formerly Invitae), Labcorp); PubMed 22810475 (cited by Labcorp Genetics (formerly Invitae), Labcorp).